The following is an entry in ClinVar:

ClinVar aggregate classification (germline): Conflicting classifications of pathogenicity. Review status: criteria provided, conflicting classifications (1 of 4 stars). 3 submissions from 3 submitters: Uncertain significance (2); Likely benign (1). Last evaluated 2026-01-12.

Conditions:
Postaxial polydactyly-anterior pituitary anomalies-facial dysmorphism syndrome. Also called: Culler-Jones syndrome. Identifiers: Orphanet 420584, MedGen C4014479, MONDO:0014369, OMIM 615849.
Holoprosencephaly 9 (HPE9). Also called: PITUITARY ANOMALIES WITH HOLOPROSENCEPHALY-LIKE FEATURES; HOLOPROSENCEPHALY WITH MICROPHTHALMIA AND FIRST BRANCHIAL ARCH ANOMALIES. Identifiers: Orphanet 2162, MedGen C1835819, MONDO:0012563, OMIM 610829.

Allele frequency attached by ClinVar (database versions not stated): gnomAD 0.00003; gnomAD exomes 0.00009; TOPMed 0.00010; ExAC 0.00014.
gnomAD v4.1: 129 of 1,569,302 alleles (0.0082%); highest among the groups gnomAD compares: Non-Finnish European, 0.0098%; no homozygotes.

Submissions (3):

Labcorp Genetics (formerly Invitae), Labcorp
Classification: Likely benign for Postaxial polydactyly-anterior pituitary anomalies-facial dysmorphism syndrome; Holoprosencephaly 9. Last evaluated: 2026-01-12. Review status: criteria provided, single submitter. Criteria: Invitae Variant Classification Sherloc (09022015). Collection method: clinical testing. Allele origin: germline.

Women's Health and Genetics/Laboratory Corporation of America, LabCorp
Classification: Uncertain significance. Last evaluated: 2025-04-28. Review status: criteria provided, single submitter. Criteria: LabCorp Variant Classification Summary - May 2015. Collection method: clinical testing. Allele origin: germline.
Comment: Variant summary: GLI2 c.2537C>T (p.Pro846Leu) results in a non-conservative amino acid change in the encoded protein sequence. Three of five in-silico tools predict a benign effect of the variant on protein function. The variant allele was found at a frequency of 8.7e-05 in 183824 control chromosomes. This frequency is not significantly higher than estimated for a pathogenic variant in GLI2 causing GLI2-Related Disorders, allowing no conclusion about variant significance. To our knowledge, no occurrence of c.2537C>T in individuals affected with GLI2-Related Disorders and no experimental evidence demonstrating its impact on protein function have been reported. ClinVar contains an entry for this variant (Variation ID: 772295). Based on the evidence outlined above, the variant was classified as uncertain significance.

Illumina Laboratory Services, Illumina
Classification: Uncertain significance for Holoprosencephaly 9. Last evaluated: 2018-01-13. Review status: criteria provided, single submitter. Criteria: ICSL Variant Classification Criteria 13 December 2019. Collection method: clinical testing. Allele origin: germline.

NM_001374353.1(GLI2):c.2486C>T (p.Pro829Leu)

Gene: GLI2 (GLI family zinc finger 2; plus strand). Cytogenetic location: 2q14.2.
Variant type: single nucleotide variant.
Coding change: c.2486C>T on transcript NM_001374353.1 (MANE Select); coding-DNA position 2486, C replaced by T.
Protein change: p.Pro829Leu; replaces proline 829 with leucine.
Molecular consequence: missense variant.
Genome position (GRCh38, 1-based): chr2:120,988,451, C>T. VCF-style: chr2-120988451-C-T. GRCh37 (hg19) VCF-style: chr2-121746027-C-T.
Other names: c.2537C>T, p.Pro846Leu (NM_001371271.1, NM_005270.5); c.2111C>T, p.Pro704Leu (NM_001374354.1); short protein forms P829L, P704L, P846L.
Identifiers: ClinVar variation 772295 (VCV000772295.12), dbSNP rs761090665, ClinGen allele CA1852245.